The following is an entry in ClinVar:

ClinVar aggregate classification (germline): Uncertain significance. Review status: criteria provided, multiple submitters, no conflicts (2 of 4 stars). 2 submissions from 2 submitters: Uncertain significance (2). Last evaluated 2024-03-20.

Conditions:
Inborn genetic diseases. Identifiers: MedGen C0950123, MeSH D030342.

Allele frequency attached by ClinVar (database versions not stated): gnomAD 0.00003; gnomAD exomes 0.00003; TOPMed 0.00005; ExAC 0.00007; 1000 Genomes Project 0.00040; 1000 Genomes Project 30x 0.00047.
gnomAD v4.1: 45 of 1,614,162 alleles (0.0028%); highest among the groups gnomAD compares: East Asian, 0.069%; no homozygotes.

Submissions (2):

Labcorp Genetics (formerly Invitae), Labcorp
Classification: Uncertain significance. Last evaluated: 2024-03-20. Review status: criteria provided, single submitter. Criteria: Invitae Variant Classification Sherloc (09022015). Collection method: clinical testing. Allele origin: germline.
Comment: This sequence change replaces valine, which is neutral and non-polar, with alanine, which is neutral and non-polar, at codon 623 of the PPP1R15B protein (p.Val623Ala). This variant is present in population databases (rs188612549, gnomAD 0.09%), and has an allele count higher than expected for a pathogenic variant. This variant has not been reported in the literature in individuals affected with PPP1R15B-related conditions. Advanced modeling of protein sequence and biophysical properties (such as structural, functional, and spatial information, amino acid conservation, physicochemical variation, residue mobility, and thermodynamic stability) performed at Invitae indicates that this missense variant is not expected to disrupt PPP1R15B protein function with a negative predictive value of 80%. In summary, the available evidence is currently insufficient to determine the role of this variant in disease. Therefore, it has been classified as a Variant of Uncertain Significance.

Ambry Genetics
Classification: Uncertain significance for Inborn genetic diseases. Last evaluated: 2023-12-15. Review status: criteria provided, single submitter. Criteria: Ambry Variant Classification Scheme 2023. Collection method: clinical testing. Allele origin: germline.

NM_032833.5(PPP1R15B):c.1868T>C (p.Val623Ala)

Gene: PPP1R15B (protein phosphatase 1 regulatory subunit 15B; minus strand). Cytogenetic location: 1q32.1.
Variant type: single nucleotide variant.
Coding change: c.1868T>C on transcript NM_032833.5 (MANE Select); coding-DNA position 1868, T replaced by C.
Protein change: p.Val623Ala; replaces valine 623 with alanine.
Molecular consequence: missense variant.
Genome position (GRCh38, 1-based): chr1:204,409,544, A>G on the plus strand (T>C on the coding strand, the complement: PPP1R15B is on the minus strand). VCF-style: chr1-204409544-A-G. GRCh37 (hg19) VCF-style: chr1-204378672-A-G.
Other names: short protein forms V623A.
Identifiers: ClinVar variation 3217509 (VCV003217509.3), dbSNP rs188612549, ClinGen allele CA1346560.
Genomic context (GRCh38, chr1:204,409,544, plus strand): 5'-AAACAAACCTTTTTTCTTTTGACATGTGTGTGTCTTCCTCCAGAAAGAACGTCACGCTGT[A>G]CCGAGTCTGGACATTCACTTTCTTGGCTCCCCAACAGCTGCACCTTACAAGAAAGTAAGG-3'
Protein context (NP_116222.4, residues 613-633): GSQESECPDS[Val623Ala]QRDVLSGGRH